The following is an entry in ClinVar:

ClinVar aggregate classification (germline): Uncertain significance. Review status: criteria provided, multiple submitters, no conflicts (2 of 4 stars). 2 submissions from 2 submitters: Uncertain significance (2). Last evaluated 2024-10-23.

Allele frequency attached by ClinVar (database versions not stated): gnomAD exomes 0.00001; gnomAD 0.00002; TOPMed 0.00002.
gnomAD v4.1: 12 of 1,561,920 alleles (0.00077%); highest among the groups gnomAD compares: African/African-American, 0.0041%; no homozygotes.

Submissions (2):

Labcorp Genetics (formerly Invitae), Labcorp
Classification: Uncertain significance. Last evaluated: 2024-10-23. Review status: criteria provided, single submitter. Criteria: Invitae Variant Classification Sherloc (09022015). Collection method: clinical testing. Allele origin: germline.
Comment: This sequence change replaces arginine, which is basic and polar, with cysteine, which is neutral and slightly polar, at codon 1758 of the CACNA1E protein (p.Arg1758Cys). The frequency data for this variant in the population databases is considered unreliable, as metrics indicate poor data quality at this position in the gnomAD database. This variant has not been reported in the literature in individuals affected with CACNA1E-related conditions. ClinVar contains an entry for this variant (Variation ID: 1939565). Invitae Evidence Modeling of protein sequence and biophysical properties (such as structural, functional, and spatial information, amino acid conservation, physicochemical variation, residue mobility, and thermodynamic stability) has been performed for this missense variant. However, the output from this modeling did not meet the statistical confidence thresholds required to predict the impact of this variant on CACNA1E protein function. In summary, the available evidence is currently insufficient to determine the role of this variant in disease. Therefore, it has been classified as a Variant of Uncertain Significance.

GeneDx
Classification: Uncertain significance. Last evaluated: 2024-08-21. Review status: criteria provided, single submitter. Criteria: GeneDx Variant Classification Process June 2021. Collection method: clinical testing. Allele origin: germline. Affected: yes.
Comment: In silico analysis supports that this missense variant has a deleterious effect on protein structure/function; Has not been previously published as pathogenic or benign to our knowledge

NM_001205293.3(CACNA1E):c.5272C>T (p.Arg1758Cys)

Gene: CACNA1E (calcium voltage-gated channel subunit alpha1 E; plus strand). Cytogenetic location: 1q25.3.
Variant type: single nucleotide variant.
Coding change: c.5272C>T on transcript NM_001205293.3 (MANE Select); coding-DNA position 5272, C replaced by T.
Protein change: p.Arg1758Cys; replaces arginine 1758 with cysteine.
Molecular consequence: missense variant.
Genome position (GRCh38, 1-based): chr1:181,781,431, C>T. VCF-style: chr1-181781431-C-T. GRCh37 (hg19) VCF-style: chr1-181750567-C-T.
Other names: c.5272C>T, p.Arg1758Cys (NM_000721.4); c.5215C>T, p.Arg1739Cys (NM_001205294.2); c.5272C>T (NM_000721.3); short protein forms R1739C, R1758C.
Identifiers: ClinVar variation 1939565 (VCV001939565.6), dbSNP rs963141863, ClinGen allele CA33848030.